The following is an entry in ClinVar:

NM_000540.3(RYR1):c.120C>T (p.Gly40=)

Gene: RYR1 (ryanodine receptor 1; plus strand). Cytogenetic location: 19q13.2.
Variant type: single nucleotide variant.
Coding change: c.120C>T on transcript NM_000540.3 (MANE Select); coding-DNA position 120, C replaced by T.
Protein change: p.Gly40=; no amino-acid change (glycine 40 retained).
Molecular consequence: synonymous variant.
Genome position (GRCh38, 1-based): chr19:38,440,819, C>T. VCF-style: chr19-38440819-C-T. GRCh37 (hg19) VCF-style: chr19-38931459-C-T.
Other names: c.120C>T, p.Gly40= (NM_001042723.2).
Identifiers: ClinVar variation 2792224 (VCV002792224.4), dbSNP rs2513956836, ClinGen allele CA507238558.
Genomic context (GRCh38, chr19:38,440,819, plus strand): 5'-CCTGCAGTGCAGCGCTACCGTGCTCAAGGAGCAGCTCAAGCTCTGCCTGGCCGCCGAGGG[C>T]TTCGGCAACCGCCTGTGCTTCCTGGAGCCCACTAGCAACGCGCAGGTCTGTGCAGGAGGG-3'
Protein context (NP_000531.2, residues 30-50): EQLKLCLAAE[Gly40=]FGNRLCFLEP

ClinVar aggregate classification (germline): Likely benign. Review status: criteria provided, multiple submitters, no conflicts (2 of 4 stars). 2 submissions from 2 submitters: Likely benign (2). Last evaluated 2023-08-28.

Conditions:
RYR1-related disorder. Also called: RYR1-related condition; RYR1-related disorders. Identifiers: MedGen CN239331.
Malignant hyperthermia, susceptibility to, 1 (MHS1). Also called: Anesthesia related hyperthermia; Malignant hyperpyrexia; Fulminating hyperpyrexia; Pharmacogenic myopathy; Malignant hyperthermia suceptibility 1; RYR1-Related Malignant Hyperthermia Susceptibility. Identifiers: Orphanet 423, MedGen C2930980, MONDO:0007783, OMIM 145600.

Submissions (2):

All of Us Research Program, National Institutes of Health
Classification: Likely benign for Malignant hyperthermia, susceptibility to, 1. Last evaluated: 2023-08-28. Review status: criteria provided, single submitter. Criteria: ACMG Guidelines, 2015. Collection method: clinical testing. Allele origin: germline. Inheritance: Autosomal dominant inheritance. Observed: 1 variant allele, 1 heterozygote.
Comment: This study involves interpretation of variants in research participants for the purpose of population health screening. Participant phenotype was not available at the time of variant classification. Additional details can be found in publication PMID: 35346344, PMCID: PMC8962531

Labcorp Genetics (formerly Invitae), Labcorp
Classification: Likely benign for RYR1-related disorder. Last evaluated: 2022-11-02. Review status: criteria provided, single submitter. Criteria: Invitae Variant Classification Sherloc (09022015). Collection method: clinical testing. Allele origin: germline.